The following is an entry in ClinVar:

ClinVar aggregate classification (germline): Benign. Review status: criteria provided, multiple submitters, no conflicts (2 of 4 stars). 3 submissions from 3 submitters: Benign (3). Last evaluated 2021-07-14.

Conditions:
Periventricular heterotopia with microcephaly, autosomal recessive (ARPHM). Also called: Periventricular heterotopia with microcephaly; PERIVENTRICULAR NODULAR HETEROTOPIA 2. Identifiers: Orphanet 2149, MedGen C1842563, MONDO:0011966, OMIM 608097.

Allele frequency attached by ClinVar (database versions not stated): ESP Exome Variant Server 0.22427; gnomAD 0.23483 and 0.24353; TOPMed 0.24638; gnomAD exomes 0.28102; 1000 Genomes Project 30x 0.28529; 1000 Genomes Project 0.28934.
gnomAD v4.1: 417,717 of 1,506,334 alleles (28%); highest among the groups gnomAD compares: East Asian, 45%; 61,286 homozygotes.

Submissions (3):

Genome-Nilou Lab
Classification: Benign for Periventricular heterotopia with microcephaly, autosomal recessive. Last evaluated: 2021-07-14. Review status: criteria provided, single submitter. Criteria: ACMG Guidelines, 2015. Collection method: clinical testing. Allele origin: germline. Affected: no.

GeneDx
Classification: Benign. Last evaluated: 2018-06-19. Review status: criteria provided, single submitter. Criteria: GeneDx Variant Classification (06012015). Collection method: clinical testing. Allele origin: germline. Affected: yes.
Comment: This variant is considered likely benign or benign based on one or more of the following criteria: it is a conservative change, it occurs at a poorly conserved position in the protein, it is predicted to be benign by multiple in silico algorithms, and/or has population frequency not consistent with disease.

Breakthrough Genomics
Classification: Benign. Review status: criteria provided, single submitter. Criteria: ACMG Guidelines, 2015. Collection method: not provided. Allele origin: germline. Inheritance: Autosomal recessive inheritance. Affected: yes.

NM_006420.3(ARFGEF2):c.3222-65G>A

Gene: ARFGEF2 (ARF guanine nucleotide exchange factor 2; plus strand). Cytogenetic location: 20q13.13.
Variant type: single nucleotide variant.
Coding change: c.3222-65G>A on transcript NM_006420.3 (MANE Select); 65 bases into the intron before coding-DNA position 3222, G replaced by A.
Molecular consequence: intron variant.
Genome position (GRCh38, 1-based): chr20:48,998,128, G>A. VCF-style: chr20-48998128-G-A. GRCh37 (hg19) VCF-style: chr20-47614665-G-A.
Identifiers: ClinVar variation 679358 (VCV000679358.5), dbSNP rs3764681, ClinGen allele CA14759514.